The following is an entry in ClinVar:

NM_024577.4(SH3TC2):c.*4279C>G

Gene: SH3TC2 (SH3 domain and tetratricopeptide repeats 2; minus strand). Cytogenetic location: 5q32.
Variant type: single nucleotide variant.
Coding change: c.*4279C>G on transcript NM_024577.4 (MANE Select); 4279 bases downstream of the stop codon, C replaced by G.
Molecular consequence: 3 prime UTR variant.
Genome position (GRCh38, 1-based): chr5:149,000,432, G>C on the plus strand (C>G on the coding strand, the complement: SH3TC2 is on the minus strand). VCF-style: chr5-149000432-G-C. GRCh37 (hg19) VCF-style: chr5-148379995-G-C.
Identifiers: ClinVar variation 351826 (VCV000351826.5), dbSNP rs74578025, ClinGen allele CA10620700.

ClinVar aggregate classification (germline): Likely benign. Review status: criteria provided, single submitter (1 of 4 stars). 2 submissions from 1 submitter: Likely benign (2). Last evaluated 2018-01-13.

Conditions:
Susceptibility to mononeuropathy of the median nerve, mild. Also called: CARPAL TUNNEL SYNDROME, SUSCEPTIBILITY TO. Identifiers: MedGen C3150596, MONDO:0013237, OMIM 613353.
Charcot-Marie-Tooth disease type 4C (CMT4C). Also called: CHARCOT-MARIE-TOOTH DISEASE, DEMYELINATING, AUTOSOMAL RECESSIVE, TYPE 4C; CMT 4C; Charcot-Marie-Tooth Neuropathy Type 4C (CMT4C); CHARCOT-MARIE-TOOTH DISEASE, DEMYELINATING, TYPE 4C; SH3TC2-Related Hereditary Motor and Sensory Neuropathy. Identifiers: Orphanet 99949, MedGen C1866636, MONDO:0011113, OMIM 601596.

Allele frequency attached by ClinVar (database versions not stated): 1000 Genomes Project 0.00339; 1000 Genomes Project 30x 0.00375; gnomAD 0.01190 and 0.01256; TOPMed 0.01273.

Submissions (2):

Illumina Laboratory Services, Illumina
Classification: Likely benign for Charcot-Marie-Tooth disease type 4C. Last evaluated: 2018-01-13. Review status: criteria provided, single submitter. Criteria: ICSL Variant Classification Criteria 13 December 2019. Collection method: clinical testing. Allele origin: germline.
Comment: This variant was observed in the ICSL laboratory as part of a predisposition screen in an ostensibly healthy population. It had not been previously curated by ICSL or reported in the Human Gene Mutation Database (HGMD: prior to June 1st, 2018), and was therefore a candidate for classification through an automated scoring system. Utilizing variant allele frequency, disease prevalence and penetrance estimates, and inheritance mode, an automated score was calculated to assess if this variant is too frequent to cause the disease. Based on the score and internal cut-off values, a variant classified as likely benign is not then subjected to further curation. The score for this variant resulted in a classification of likely benign for this disease.

Illumina Laboratory Services, Illumina
Classification: Likely benign for Susceptibility to mononeuropathy of the median nerve, mild. Last evaluated: 2018-01-13. Review status: criteria provided, single submitter. Criteria: ICSL Variant Classification Criteria 13 December 2019. Collection method: clinical testing. Allele origin: germline.
Comment: the same text as in the submission from Illumina Laboratory Services, Illumina above.